The following is an entry in ClinVar:

NM_003742.4(ABCB11):c.3849G>A (p.Ala1283=)

Gene: ABCB11 (ATP binding cassette subfamily B member 11; minus strand). Cytogenetic location: 2q31.1.
Variant type: single nucleotide variant.
Coding change: c.3849G>A on transcript NM_003742.4 (MANE Select); coding-DNA position 3849, G replaced by A.
Protein change: p.Ala1283=; no amino-acid change (alanine 1283 retained).
Molecular consequence: synonymous variant.
Genome position (GRCh38, 1-based): chr2:168,923,739, C>T on the plus strand (G>A on the coding strand, the complement: ABCB11 is on the minus strand). VCF-style: chr2-168923739-C-T. GRCh37 (hg19) VCF-style: chr2-169780249-C-T.
Identifiers: ClinVar variation 763177 (VCV000763177.14), dbSNP rs566857672, ClinGen allele CA1950912.
Genomic context (GRCh38, chr2:168,923,739, plus strand): 5'-CAGTTCTTCATGGGTCCCCTTTTCAATCACCACCCCCTGTGCCATGACAGCAATGATATC[C>T]GCGTTCTGGATGGTGGACAAGCGATGGGCAATGACAATGCAGGTCCGACCCTCTCTGGCT-3'
Protein context (NP_003733.2, residues 1273-1293): IAHRLSTIQN[Ala1283=]DIIAVMAQGV

ClinVar aggregate classification (germline): Likely benign. Review status: criteria provided, multiple submitters, no conflicts (2 of 4 stars). 3 submissions from 3 submitters: Likely benign (2). 1 of the submissions does not count toward it. Last evaluated 2026-04-14.

Conditions:
ABCB11-related disorder. Also called: ABCB11-related condition.
Familial intrahepatic cholestasis. Identifiers: Orphanet 284385, MedGen CN296401, MONDO:0017290.

Allele frequency attached by ClinVar (database versions not stated): gnomAD 0.00008 and 0.00009; gnomAD exomes 0.00010 and 0.00016; TOPMed 0.00011; 1000 Genomes Project 0.00020; ExAC 0.00020; 1000 Genomes Project 30x 0.00031.
gnomAD v4.1: 160 of 1,613,800 alleles (0.0099%); highest among the groups gnomAD compares: East Asian, 0.096%; no homozygotes.

Submissions (3):

Genomenon, Inc
Classification: Likely benign for Familial intrahepatic cholestasis. Last evaluated: 2026-04-14. Review status: criteria provided, single submitter. Criteria: Genomenon Sequence Variant Interpretation Standards - Updated. Collection method: curation. Allele origin: germline. Affected: no.
Comment: ABCB11 c.3849G>A is a synonymous variant that retains Alanine at residue 1283. This variant has been reported in the published literature (PMID:16763017). This synonymous variant is not predicted to impact splicing. In conclusion, we classify ABCB11 p.Ala1283= (c.3849G>A) as a likely benign variant.

Labcorp Genetics (formerly Invitae), Labcorp
Classification: Likely benign. Last evaluated: 2026-01-31. Review status: criteria provided, single submitter. Criteria: Invitae Variant Classification Sherloc (09022015). Collection method: clinical testing. Allele origin: germline.

PreventionGenetics, part of Exact Sciences
Classification: Likely benign for ABCB11-related condition. Last evaluated: 2019-08-12. Review status: no assertion criteria provided. Collection method: clinical testing. Allele origin: germline. Not counted in ClinVar's aggregate classification.
Comment: This variant is classified as likely benign based on ACMG/AMP sequence variant interpretation guidelines (Richards et al. 2015 PMID: 25741868, with internal and published modifications).

Literature cited by the submitters: PubMed 16763017 (cited by Genomenon, Inc).